The following is an entry in ClinVar:

ClinVar aggregate classification (germline): Uncertain significance. Review status: criteria provided, multiple submitters, no conflicts (2 of 4 stars). 2 submissions from 2 submitters: Uncertain significance (2). Last evaluated 2024-02-14.

Conditions:
Spermatogenic failure 18. Identifiers: MedGen C4539783, MONDO:0054615, OMIM 617576.
Ciliary dyskinesia, primary, 37 (CILD37). Also called: CILIARY DYSKINESIA, PRIMARY, 37, WITH OR WITHOUT SITUS INVERSUS. Identifiers: MedGen C4539798, MONDO:0033204, OMIM 617577.

Allele frequency attached by ClinVar (database versions not stated): gnomAD 0.00003 and 0.00004; gnomAD exomes 0.00003 and 0.00007; TOPMed 0.00004; ExAC 0.00005; ESP Exome Variant Server 0.00016.
gnomAD v4.1: 101 of 1,610,414 alleles (0.0063%); highest among the groups gnomAD compares: Non-Finnish European, 0.0081%; no homozygotes.

Submissions (2):

Blueprint Genetics
Classification: Uncertain significance. Last evaluated: 2024-02-14. Review status: criteria provided, single submitter. Criteria: ACMG Guidelines, 2015. Collection method: clinical testing. Allele origin: germline.

Labcorp Genetics (formerly Invitae), Labcorp
Classification: Uncertain significance for Ciliary dyskinesia, primary, 37; Spermatogenic failure 18. Last evaluated: 2022-06-15. Review status: criteria provided, single submitter. Criteria: Invitae Variant Classification Sherloc (09022015). Collection method: clinical testing. Allele origin: germline.
Comment: This sequence change replaces serine, which is neutral and polar, with arginine, which is basic and polar, at codon 1146 of the DNAH1 protein (p.Ser1146Arg). This variant is present in population databases (rs368850443, gnomAD 0.006%). This variant has not been reported in the literature in individuals affected with DNAH1-related conditions. ClinVar contains an entry for this variant (Variation ID: 478442). Algorithms developed to predict the effect of missense changes on protein structure and function are either unavailable or do not agree on the potential impact of this missense change (SIFT: "Deleterious"; PolyPhen-2: "Benign"; Align-GVGD: "Class C0"). In summary, the available evidence is currently insufficient to determine the role of this variant in disease. Therefore, it has been classified as a Variant of Uncertain Significance.

NM_015512.5(DNAH1):c.3438C>G (p.Ser1146Arg)

Gene: DNAH1 (dynein axonemal heavy chain 1; plus strand). Cytogenetic location: 3p21.1.
Variant type: single nucleotide variant.
Coding change: c.3438C>G on transcript NM_015512.5 (MANE Select); coding-DNA position 3438, C replaced by G.
Protein change: p.Ser1146Arg; replaces serine 1146 with arginine.
Molecular consequence: missense variant.
Genome position (GRCh38, 1-based): chr3:52,353,591, C>G. VCF-style: chr3-52353591-C-G. GRCh37 (hg19) VCF-style: chr3-52387607-C-G.
Other names: short protein forms S1146R.
Identifiers: ClinVar variation 478442 (VCV000478442.3), dbSNP rs368850443, ClinGen allele CA2433568.